The following is an entry in ClinVar:

ClinVar aggregate classification (germline): Uncertain significance (1 of 4 stars; one submission).

Submission:

CeGaT Center for Human Genetics Tuebingen
Classification: Uncertain significance. Last evaluated: 2026-03-01. Review status: criteria provided, single submitter. Criteria: CeGaT Center For Human Genetics Tuebingen Variant Classification Criteria Version 2. Collection method: clinical testing. Allele origin: germline. Affected: yes. Observed: 1 variant allele.
Comment: SLC38A8: PM2, PM3

NM_001080442.3(SLC38A8):c.101T>G (p.Met34Arg)

Gene: SLC38A8 (solute carrier family 38 member 8; minus strand). Cytogenetic location: 16q23.3.
Variant type: single nucleotide variant.
Coding change: c.101T>G on transcript NM_001080442.3 (MANE Select); coding-DNA position 101, T replaced by G.
Protein change: p.Met34Arg; replaces methionine 34 with arginine.
Molecular consequence: missense variant.
Genome position (GRCh38, 1-based): chr16:84,042,057, A>C on the plus strand (T>G on the coding strand, the complement: SLC38A8 is on the minus strand). VCF-style: chr16-84042057-A-C. GRCh37 (hg19) VCF-style: chr16-84075662-A-C.
Other names: short protein forms M34R.
Identifiers: ClinVar variation 4822179 (VCV004822179.4).